The following is an entry in ClinVar:

ClinVar aggregate classification (germline): Pathogenic. Review status: reviewed by expert panel (3 of 4 stars). 3 submissions from 3 submitters: Pathogenic (1). 2 of the submissions do not count toward it. Last evaluated 2023-08-04.

Conditions:
CDH1-related diffuse gastric and lobular breast cancer syndrome. Also called: CDH1-related diffuse gastric and lobular breast cancer. Identifiers: MedGen CN311521, MONDO:0100488.
Hereditary cancer-predisposing syndrome. Also called: Hereditary neoplastic syndrome; Hereditary Cancer Syndrome; Tumor predisposition; Neoplastic Syndromes, Hereditary. Identifiers: Orphanet 140162, MedGen C0027672, MeSH D009386, MONDO:0015356.

Submissions (3):

Clingen Gastric Cancer Variant Curation Expert Panel
Classification: Pathogenic for CDH1-related diffuse gastric and lobular breast cancer syndrome. Last evaluated: 2023-08-04. Review status: reviewed by expert panel. Criteria: ClinGen CDH1 ACMG Specifications V3.1. Collection method: curation. Allele origin: germline. Inheritance: Autosomal dominant inheritance.
Comment: The c.1341del (p.Lys447fs) variant is predicted to result in a premature stop codon that leads to nonsense mediate decay (PVS1 and PM5_supporting). The variant is absent in the gnomAD cohort (PM2_supporting). Therefore, this variant meets criteria to be classified as pathogenic based on the ACMG/AMP criteria applied as specified by the CDH1 Variant Curation Expert Panel (CDH1 VCEP specifications version 3.1): PVS1, PM2_supporting, PM5_supporting.

Quest Diagnostics Nichols Institute San Juan Capistrano
Classification: Likely pathogenic. Last evaluated: 2019-08-29. Review status: criteria provided, single submitter. Criteria: Quest Diagnostics criteria. Collection method: clinical testing. Allele origin: unknown. Not counted in ClinVar's aggregate classification.
Comment: The variant results in a shift of the reading frame, and is therefore predicted to result in the loss of a functional protein. Not found in the total gnomAD dataset, and the data is high quality.

Ambry Genetics
Classification: Pathogenic for Hereditary cancer-predisposing syndrome. Last evaluated: 2017-05-03. Review status: criteria provided, single submitter. Criteria: Ambry Variant Classification Scheme 2023. Collection method: clinical testing. Allele origin: germline. Not counted in ClinVar's aggregate classification.
Comment: The c.1341delG pathogenic mutation, located in coding exon 10 of the CDH1 gene, results from a deletion of one nucleotide at nucleotide position 1341, causing a translational frameshift with a predicted alternate stop codon (p.K447Nfs*8). This alteration is expected to result in loss of function by premature protein truncation or nonsense-mediated mRNA decay. As such, this alteration is interpreted as a disease-causing mutation.

NM_004360.5(CDH1):c.1341del (p.Lys447fs)

Gene: CDH1 (cadherin 1; plus strand). Cytogenetic location: 16q22.1.
Variant type: Deletion.
Coding change: c.1341del on transcript NM_004360.5 (MANE Select); coding-DNA position 1341, one base deleted (G; older notation c.1341delG).
Protein change: p.Lys447fs; shifts the reading frame from lysine 447.
Molecular consequence: frameshift variant. On other transcripts: 5 prime UTR variant (2).
Genome position (GRCh38, 1-based): chr16:68,815,535, G deleted. VCF-style (leftmost placement, unchanged base first): chr16-68815534-AG-A. GRCh37 (hg19) VCF-style: chr16-68849437-AG-A.
Other names: c.1158del, p.Lys386fs (NM_001317184.2); c.-208del (NM_001317185.2); c.-479del (NM_001317186.2); short protein forms K386fs, K447fs.
Identifiers: ClinVar variation 439040 (VCV000439040.6), dbSNP rs1555516089, ClinGen allele CA645509535.